The following is an entry in ClinVar:

NM_000701.8(ATP1A1):c.2024C>G (p.Ser675Cys)

Genes: ATP1A1 (ATPase Na+/K+ transporting subunit alpha 1; plus strand), ATP1A1-AS1 (ATP1A1 antisense RNA 1; minus strand). Cytogenetic location: 1p13.1.
Variant type: single nucleotide variant.
Coding change: c.2024C>G on transcript NM_000701.8 (MANE Select); coding-DNA position 2024, C replaced by G.
Protein change: p.Ser675Cys; replaces serine 675 with cysteine.
Molecular consequence: missense variant.
Genome position (GRCh38, 1-based): chr1:116,397,938, C>G. VCF-style: chr1-116397938-C-G. GRCh37 (hg19) VCF-style: chr1-116940560-C-G.
Other names: c.2024C>G, p.Ser675Cys (NM_001160233.2); c.1931C>G, p.Ser644Cys (NM_001160234.2); short protein forms S644C, S675C.
Identifiers: ClinVar variation 2004427 (VCV002004427.4), dbSNP rs2525876021, ClinGen allele CA341772445.
Genomic context (GRCh38, chr1:116,397,938, plus strand): 5'-CTAATTCTAGGGATGCCAAGGCCTGCGTAGTACACGGCAGTGATCTAAAGGACATGACCT[C>G]CGAGCAGCTGGATGACATTTTGAAGTACCACACTGAGATAGTGTTTGCCAGGACCTCCCC-3'
Protein context (NP_000692.2, residues 665-685): VHGSDLKDMT[Ser675Cys]EQLDDILKYH

ClinVar aggregate classification (germline): Uncertain significance (1 of 4 stars; one submission).

Submission:

Labcorp Genetics (formerly Invitae), Labcorp
Classification: Uncertain significance. Last evaluated: 2022-06-10. Review status: criteria provided, single submitter. Criteria: Invitae Variant Classification Sherloc (09022015). Collection method: clinical testing. Allele origin: germline.
Comment: In summary, the available evidence is currently insufficient to determine the role of this variant in disease. Therefore, it has been classified as a Variant of Uncertain Significance. Advanced modeling of protein sequence and biophysical properties (such as structural, functional, and spatial information, amino acid conservation, physicochemical variation, residue mobility, and thermodynamic stability) performed at Invitae indicates that this missense variant is not expected to disrupt ATP1A1 protein function. This variant has not been reported in the literature in individuals affected with ATP1A1-related conditions. This variant is not present in population databases (gnomAD no frequency). This sequence change replaces serine, which is neutral and polar, with cysteine, which is neutral and slightly polar, at codon 675 of the ATP1A1 protein (p.Ser675Cys).